The following is an entry in ClinVar:

ClinVar aggregate classification (germline): Likely benign. Review status: criteria provided, multiple submitters, no conflicts (2 of 4 stars). 2 submissions from 2 submitters: Likely benign (2). Last evaluated 2025-03-01.

Submissions (2):

CeGaT Center for Human Genetics Tuebingen
Classification: Likely benign. Last evaluated: 2025-03-01. Review status: criteria provided, single submitter. Criteria: CeGaT Center For Human Genetics Tuebingen Variant Classification Criteria Version 2. Collection method: clinical testing. Allele origin: germline. Affected: yes. Observed: 1 variant allele.
Comment: ROBO4: BP4, BP7

Blueprint Genetics
Classification: Likely benign. Last evaluated: 2024-10-01. Review status: criteria provided, single submitter. Criteria: ACMG Guidelines, 2015. Collection method: clinical testing. Allele origin: germline.

NM_019055.6(ROBO4):c.2607C>T (p.Ser869=)

Gene: ROBO4 (roundabout guidance receptor 4; minus strand). Cytogenetic location: 11q24.2.
Variant type: single nucleotide variant.
Coding change: c.2607C>T on transcript NM_019055.6 (MANE Select); coding-DNA position 2607, C replaced by T.
Protein change: p.Ser869=; no amino-acid change (serine 869 retained).
Molecular consequence: synonymous variant.
Genome position (GRCh38, 1-based): chr11:124,886,651, G>A on the plus strand (C>T on the coding strand, the complement: ROBO4 is on the minus strand). VCF-style: chr11-124886651-G-A. GRCh37 (hg19) VCF-style: chr11-124756547-G-A.
Other names: c.2172C>T, p.Ser724= (NM_001301088.2).
Identifiers: ClinVar variation 3777999 (VCV003777999.8).